The following is an entry in ClinVar:

ClinVar aggregate classification (germline): Uncertain significance. Review status: criteria provided, multiple submitters, no conflicts (2 of 4 stars). 2 submissions from 2 submitters: Uncertain significance (2). Last evaluated 2025-06-27.

Conditions:
Familial thoracic aortic aneurysm and aortic dissection (TAAD). Also called: Thoracic aortic aneurysms and dissections. Identifiers: Orphanet 91387, MedGen C4707243, MONDO:0019625.

gnomAD v4.1: 14 of 1,613,674 alleles (0.00087%); highest among the groups gnomAD compares: Non-Finnish European, 0.0012%; no homozygotes.

Submissions (2):

Labcorp Genetics (formerly Invitae), Labcorp
Classification: Uncertain significance. Last evaluated: 2025-06-27. Review status: criteria provided, single submitter. Criteria: Invitae Variant Classification Sherloc (09022015). Collection method: clinical testing. Allele origin: germline.
Comment: This sequence change replaces valine, which is neutral and non-polar, with glutamic acid, which is acidic and polar, at codon 216 of the LOX protein (p.Val216Glu). This variant is present in population databases (rs779735609, gnomAD 0.0009%). This variant has not been reported in the literature in individuals affected with LOX-related conditions. ClinVar contains an entry for this variant (Variation ID: 3648617). Invitae Evidence Modeling of protein sequence and biophysical properties (such as structural, functional, and spatial information, amino acid conservation, physicochemical variation, residue mobility, and thermodynamic stability) has been performed for this missense variant. However, the output from this modeling did not meet the statistical confidence thresholds required to predict the impact of this variant on LOX protein function. In summary, the available evidence is currently insufficient to determine the role of this variant in disease. Therefore, it has been classified as a Variant of Uncertain Significance.

Cambridge Genomics Laboratory, East Genomic Laboratory Hub, NHS Genomic Medicine Service
Classification: Uncertain significance for Familial thoracic aortic aneurysm and aortic dissection. Last evaluated: 2019-04-17. Review status: criteria provided, single submitter. Criteria: ACGS Best Practice Guidelines for Variant Classification in Rare Disease 2020. Collection method: clinical testing. Allele origin: germline. Affected: yes. Observed: 1 variant allele.

NM_002317.7(LOX):c.647T>A (p.Val216Glu)

Genes: LOX (lysyl oxidase; minus strand), SRFBP1 (serum response factor binding protein 1; plus strand). Cytogenetic location: 5q23.1.
Variant type: single nucleotide variant.
Coding change: c.647T>A on transcript NM_002317.7 (MANE Select); coding-DNA position 647, T replaced by A.
Protein change: p.Val216Glu; replaces valine 216 with glutamic acid.
Molecular consequence: missense variant. On other transcripts: 5 prime UTR variant (1), intron variant (1).
Genome position (GRCh38, 1-based): chr5:122,076,986, A>T on the plus strand (T>A on the coding strand, the complement: LOX is on the minus strand). VCF-style: chr5-122076986-A-T. GRCh37 (hg19) VCF-style: chr5-121412681-A-T.
Other names: c.-44T>A (NM_001178102.2); c.-152+106T>A (NM_001317073.1); short protein forms V216E.
Identifiers: ClinVar variation 3648617 (VCV003648617.3).
Genomic context (GRCh38, chr5:122,076,986, plus strand): 5'-AGGTTGTACATGGACATCTTCTGCACGTACGTGGACGCCTGGATGTAGTAGGGGTCGGCC[A>T]CCAGGTCTGGGAGACCTAAACGTCAGCAGGCGACGGGCGCAGCAGTGAAACAACCCGGCG-3'
Protein context (NP_002308.2, residues 206-226): GYFQYGLPDL[Val216Glu]ADPYYIQAST